The following is an entry in ClinVar:

ClinVar aggregate classification (germline): Likely pathogenic (1 of 4 stars; one submission).

Conditions:
Intellectual developmental disorder with cardiac defects and dysmorphic facies (IDDCDF). Identifiers: Orphanet 562569, MedGen C5193024, MONDO:0032672, OMIM 618316.

Submission:

Breakthrough Genomics
Classification: Likely pathogenic for Intellectual developmental disorder with cardiac defects and dysmorphic facies. Last evaluated: 2020-03-11. Review status: criteria provided, single submitter. Criteria: ACMG Guidelines, 2015. Collection method: clinical testing. Allele origin: germline. Affected: yes.
Comment: This variant has not been previously reported in the literature. However, several other truncating variants lying downstream of the identified variant, have been previously reported in homozygous or compound heterozygous state in individuals affected with neurodevelopmental disorders in unrelated families of different ethnic origins [PMID: 30526868]. In addition, truncating variants lying in the downstream of the identified variant have been reported as pathogenic in the context of intellectual developmental disorder with cardiac defects and dysmorphic facies in the ClinVar database.

NM_014738.6(TMEM94):c.1176dup (p.Thr393fs)

Gene: TMEM94 (transmembrane protein 94; plus strand). Cytogenetic location: 17q25.1.
Variant type: Duplication.
Coding change: c.1176dup on transcript NM_014738.6 (MANE Select); coding-DNA position 1176, one base duplicated (G; older notation c.1176dupG).
Protein change: p.Thr393fs; shifts the reading frame from threonine 393.
Molecular consequence: frameshift variant.
Genome position (GRCh38, 1-based): chr17:75,491,096, G duplicated; the last of 6 consecutive G bases (chr17:75,491,091-75,491,096); duplicating any one gives the same sequence. VCF-style (leftmost placement, unchanged base first): chr17-75491090-C-CG. GRCh37 (hg19) VCF-style: chr17-73487171-C-CG.
Other names: p.Thr403AspfsTer55; c.1206dup, p.Thr403fs (NM_001321148.2, NM_001351203.2); c.1176dup, p.Thr393fs (NM_001321149.2, NM_001351202.2); short protein forms T393fs, T403fs.
Identifiers: ClinVar variation 3255586 (VCV003255586.2).